The following is an entry in ClinVar:

NM_005032.7(PLS3):c.226G>A (p.Glu76Lys)

Gene: PLS3 (plastin 3; plus strand). Cytogenetic location: Xq23.
Variant type: single nucleotide variant.
Coding change: c.226G>A on transcript NM_005032.7 (MANE Select); coding-DNA position 226, G replaced by A.
Protein change: p.Glu76Lys; replaces glutamic acid 76 with lysine.
Molecular consequence: missense variant. On other transcripts: intron variant (1).
Genome position (GRCh38, 1-based): chrX:115,622,398, G>A. VCF-style: chrX-115622398-G-A. GRCh37 (hg19) VCF-style: chrX-114856710-G-A.
Other names: c.226G>A, p.Glu76Lys (NM_001136025.5); c.160G>A, p.Glu54Lys (NM_001282337.2); c.91G>A, p.Glu31Lys (NM_001282338.2); c.156+70G>A (NM_001172335.3); c.226G>A (NM_005032.5); short protein forms E54K, E31K, E76K.
Identifiers: ClinVar variation 2183929 (VCV002183929.5), dbSNP rs186923237, ClinGen allele CA334697367.

ClinVar aggregate classification (germline): Uncertain significance. Review status: criteria provided, multiple submitters, no conflicts (2 of 4 stars). 2 submissions from 2 submitters: Uncertain significance (2). Last evaluated 2025-07-15.

Conditions:
Inborn genetic diseases. Identifiers: MedGen C0950123, MeSH D030342.

Allele frequency attached by ClinVar (database versions not stated): gnomAD exomes below 0.00001; gnomAD 0.00005; TOPMed 0.00017; 1000 Genomes Project 30x 0.00021; 1000 Genomes Project 0.00026.

Submissions (2):

Labcorp Genetics (formerly Invitae), Labcorp
Classification: Uncertain significance. Last evaluated: 2025-07-15. Review status: criteria provided, single submitter. Criteria: Invitae Variant Classification Sherloc (09022015). Collection method: clinical testing. Allele origin: germline.
Comment: This sequence change replaces glutamic acid, which is acidic and polar, with lysine, which is basic and polar, at codon 76 of the PLS3 protein (p.Glu76Lys). This variant is present in population databases (rs186923237, gnomAD 0.008%). This variant has not been reported in the literature in individuals affected with PLS3-related conditions. ClinVar contains an entry for this variant (Variation ID: 2183929). Invitae Evidence Modeling of protein sequence and biophysical properties (such as structural, functional, and spatial information, amino acid conservation, physicochemical variation, residue mobility, and thermodynamic stability) indicates that this missense variant is expected to disrupt PLS3 protein function with a positive predictive value of 80%. In summary, the available evidence is currently insufficient to determine the role of this variant in disease. Therefore, it has been classified as a Variant of Uncertain Significance.

Ambry Genetics
Classification: Uncertain significance for Inborn genetic diseases. Last evaluated: 2023-11-29. Review status: criteria provided, single submitter. Criteria: Ambry Variant Classification Scheme 2023. Collection method: clinical testing. Allele origin: germline.